The following is an entry in ClinVar:

NM_000051.4(ATM):c.9031A>T (p.Met3011Leu)

Genes: ATM (ATM serine/threonine kinase; plus strand), C11orf65 (chromosome 11 open reading frame 65; minus strand). Cytogenetic location: 11q22.3.
Variant type: single nucleotide variant.
Coding change: c.9031A>T on transcript NM_000051.4 (MANE Select); coding-DNA position 9031, A replaced by T.
Protein change: p.Met3011Leu; replaces methionine 3011 with leucine.
Molecular consequence: missense variant. On other transcripts: intron variant (2).
Genome position (GRCh38, 1-based): chr11:108,365,368, A>T. VCF-style: chr11-108365368-A-T. GRCh37 (hg19) VCF-style: chr11-108236095-A-T.
Other names: c.9031A>T, p.Met3011Leu (NM_001351834.2); c.640+20552T>A (NM_001330368.2); c.694+20552T>A (NM_001351110.2); short protein forms M3011L.
Identifiers: ClinVar variation 822919 (VCV000822919.62), dbSNP rs372795527, ClinGen allele CA382531203.

ClinVar aggregate classification (germline): Uncertain significance. Review status: criteria provided, multiple submitters, no conflicts (2 of 4 stars). 3 submissions from 3 submitters: Uncertain significance (2). 1 of the submissions does not count toward it. Last evaluated 2024-06-05.

Conditions:
Hereditary cancer-predisposing syndrome. Also called: Tumor predisposition; Neoplastic Syndromes, Hereditary; Hereditary Cancer Syndrome; Hereditary neoplastic syndrome. Identifiers: Orphanet 140162, MedGen C0027672, MeSH D009386, MONDO:0015356.
Ataxia-telangiectasia syndrome (AT). Also called: ATAXIA-TELANGIECTASIA, COMPLEMENTATION GROUP A; ATAXIA-TELANGIECTASIA, FRESNO VARIANT; Ataxia-telangiectasia; Ataxia-telangiectasia, complementation group D; AT, COMPLEMENTATION GROUP C; Ataxia-telangiectasia, complementation group E. Identifiers: Orphanet 100, MedGen C0004135, MONDO:0008840, OMIM 208900.

Submissions (3):

Labcorp Genetics (formerly Invitae), Labcorp
Classification: Uncertain significance for Ataxia-telangiectasia syndrome. Last evaluated: 2024-06-05. Review status: criteria provided, single submitter. Criteria: Invitae Variant Classification Sherloc (09022015). Collection method: clinical testing. Allele origin: germline.
Comment: This sequence change replaces methionine, which is neutral and non-polar, with leucine, which is neutral and non-polar, at codon 3011 of the ATM protein (p.Met3011Leu). This variant is not present in population databases (gnomAD no frequency). This variant has not been reported in the literature in individuals affected with ATM-related conditions. ClinVar contains an entry for this variant (Variation ID: 822919). An algorithm developed to predict the effect of missense changes on protein structure and function (PolyPhen-2) suggests that this variant is likely to be tolerated. In summary, the available evidence is currently insufficient to determine the role of this variant in disease. Therefore, it has been classified as a Variant of Uncertain Significance.

Ambry Genetics
Classification: Uncertain significance for Hereditary cancer-predisposing syndrome. Last evaluated: 2019-11-20. Review status: criteria provided, single submitter. Criteria: Ambry Variant Classification Scheme 2023. Collection method: clinical testing. Allele origin: germline.
Comment: The p.M3011L variant (also known as c.9031A>T), located in coding exon 62 of the ATM gene, results from an A to T substitution at nucleotide position 9031. The methionine at codon 3011 is replaced by leucine, an amino acid with highly similar properties. This amino acid position is not well conserved in available vertebrate species. In addition, this alteration is predicted to be tolerated by in silico analysis. Since supporting evidence is limited at this time, the clinical significance of this alteration remains unclear.

Natera, Inc.
Classification: Uncertain significance for Ataxia-telangiectasia. Last evaluated: 2020-11-10. Review status: no assertion criteria provided. Collection method: clinical testing. Allele origin: germline. Not counted in ClinVar's aggregate classification.